The following is an entry in ClinVar:

ClinVar aggregate classification (germline): Uncertain significance. Review status: criteria provided, multiple submitters, no conflicts (2 of 4 stars). 2 submissions from 2 submitters: Uncertain significance (2). Last evaluated 2025-03-07.

Submissions (2):

Labcorp Genetics (formerly Invitae), Labcorp
Classification: Uncertain significance. Last evaluated: 2025-03-07. Review status: criteria provided, single submitter. Criteria: Invitae Variant Classification Sherloc (09022015). Collection method: clinical testing. Allele origin: germline.
Comment: This sequence change replaces alanine, which is neutral and non-polar, with proline, which is neutral and non-polar, at codon 340 of the TFAP2A protein (p.Ala340Pro). This variant is not present in population databases (gnomAD no frequency). This variant has not been reported in the literature in individuals affected with TFAP2A-related conditions. Invitae Evidence Modeling of protein sequence and biophysical properties (such as structural, functional, and spatial information, amino acid conservation, physicochemical variation, residue mobility, and thermodynamic stability) indicates that this missense variant is expected to disrupt TFAP2A protein function with a positive predictive value of 80%. In summary, the available evidence is currently insufficient to determine the role of this variant in disease. Therefore, it has been classified as a Variant of Uncertain Significance.

Blueprint Genetics
Classification: Uncertain significance. Last evaluated: 2024-04-10. Review status: criteria provided, single submitter. Criteria: ACMG Guidelines, 2015. Collection method: clinical testing. Allele origin: germline.

NM_001372066.1(TFAP2A):c.1024G>C (p.Ala342Pro)

Gene: TFAP2A (transcription factor AP-2 alpha; minus strand). Cytogenetic location: 6p24.3.
Variant type: single nucleotide variant.
Coding change: c.1024G>C on transcript NM_001372066.1 (MANE Select); coding-DNA position 1024, G replaced by C.
Protein change: p.Ala342Pro; replaces alanine 342 with proline.
Molecular consequence: missense variant.
Genome position (GRCh38, 1-based): chr6:10,400,455, C>G on the plus strand (G>C on the coding strand, the complement: TFAP2A is on the minus strand). VCF-style: chr6-10400455-C-G. GRCh37 (hg19) VCF-style: chr6-10400688-C-G.
Other names: c.1000G>C, p.Ala334Pro (NM_001032280.3); c.1006G>C, p.Ala336Pro (NM_001042425.3); short protein forms A342P, A334P, A336P.
Identifiers: ClinVar variation 4770279 (VCV004770279.2).
Genomic context (GRCh38, chr6:10,400,455, plus strand): 5'-TCTCTTTCTCTTGACAACGAGACACAGAGACCCCATAGAGGTAAATGCCTTACTTTGTAG[C>G]CAGGAGCATGTTTTTTCTTGTCACTTGCTCATTGGGATCGGAATGTTGTCGGTTGAGAAA-3'
Protein context (NP_001358995.1, residues 332-352): EQVTRKNMLL[Ala342Pro]TKQICKEFTD